The following is an entry in ClinVar:

ClinVar aggregate classification (germline): Uncertain significance (1 of 4 stars; one submission).

gnomAD v4.1: 11 of 1,602,756 alleles (0.00069%); highest among the groups gnomAD compares: African/African-American, 0.015%; no homozygotes.

Submission:

GeneDx
Classification: Uncertain significance. Last evaluated: 2025-04-22. Review status: criteria provided, single submitter. Criteria: GeneDx Variant Classification Process June 2021. Collection method: clinical testing. Allele origin: germline. Affected: yes.
Comment: In silico analysis supports that this missense variant has a deleterious effect on protein structure/function; Has not been previously published as pathogenic or benign to our knowledge

NM_001145809.2(MYH14):c.2517G>T (p.Glu839Asp)

Gene: MYH14 (myosin heavy chain 14; plus strand). Cytogenetic location: 19q13.33.
Variant type: single nucleotide variant.
Coding change: c.2517G>T on transcript NM_001145809.2 (MANE Select); coding-DNA position 2517, G replaced by T.
Protein change: p.Glu839Asp; replaces glutamic acid 839 with aspartic acid.
Molecular consequence: missense variant.
Genome position (GRCh38, 1-based): chr19:50,261,567, G>T. VCF-style: chr19-50261567-G-T. GRCh37 (hg19) VCF-style: chr19-50764824-G-T.
Other names: c.2418G>T, p.Glu806Asp (NM_001077186.2); c.2394G>T, p.Glu798Asp (NM_024729.4); short protein forms E798D, E806D, E839D.
Identifiers: ClinVar variation 4527097 (VCV004527097.1).